The following is an entry in ClinVar:

NM_000130.5(F5):c.2642C>T (p.Ser881Phe)

Gene: F5 (coagulation factor V; minus strand). Cytogenetic location: 1q24.2.
Variant type: single nucleotide variant.
Coding change: c.2642C>T on transcript NM_000130.5 (MANE Select); coding-DNA position 2642, C replaced by T.
Protein change: p.Ser881Phe; replaces serine 881 with phenylalanine.
Molecular consequence: missense variant.
Genome position (GRCh38, 1-based): chr1:169,542,448, G>A on the plus strand (C>T on the coding strand, the complement: F5 is on the minus strand). VCF-style: chr1-169542448-G-A. GRCh37 (hg19) VCF-style: chr1-169511686-G-A.
Other names: short protein forms S881F.
Identifiers: ClinVar variation 3276974 (VCV003276974.1).

ClinVar aggregate classification (germline): Uncertain significance (1 of 4 stars; one submission).

Conditions:
Inborn genetic diseases. Identifiers: MedGen C0950123, MeSH D030342.

Submission:

Ambry Genetics
Classification: Uncertain significance for Inborn genetic diseases. Last evaluated: 2024-06-09. Review status: criteria provided, single submitter. Criteria: Ambry Variant Classification Scheme 2023. Collection method: clinical testing. Allele origin: germline.
Comment: The p.S881F variant (also known as c.2642C>T), located in coding exon 13 of the F5 gene, results from a C to T substitution at nucleotide position 2642. The serine at codon 881 is replaced by phenylalanine, an amino acid with highly dissimilar properties. This amino acid position is conserved. In addition, this alteration is predicted to be tolerated by in silico analysis. Based on the available evidence, the clinical significance of this variant remains unclear.